The following is an entry in ClinVar:

ClinVar aggregate classification (germline): Likely pathogenic (0 of 4 stars; one submission).

Conditions:
Recurrent spontaneous abortion. Identifiers: MedGen C3279439, HP:0200067.
Abnormal chromosome morphology. Identifiers: MedGen C4531140, HP:0031411.

Submission:

Cytogenetics and Genomics Lab, Cyprus Institute Of Neurology and Genetics
Classification: Likely pathogenic for Recurrent spontaneous abortion; Abnormal chromosome morphology. Last evaluated: 2019-07-05. Review status: no assertion criteria provided. Collection method: clinical testing. Allele origin: germline. Affected: no. Observed: 30 variant alleles.
Comment: Large heterozygous pericentric inversion resulting in miscarriages, gross chromosomal abnormalities (recombinant chromosomes) and possibly infertility. The reported inversion can cause recurrent miscarriages due to the recombinant chromosomes that can be formed during meiosis.

Literature cited by the submitters: PubMed 32398760.

NC_000009.11:g.12246100_101559378inv

Genes: ABHD17B (abhydrolase domain containing 17B, depalmitoylase; minus strand), ACER2 (alkaline ceramidase 2; plus strand), ACO1 (aconitase 1; plus strand), ADAMTSL1 (ADAMTS like 1; plus strand), AGTPBP1 (ATP/GTP binding carboxypeptidase 1; minus strand) and 323 more. Cytogenetic location: 9p23-q22.33.
Variant type: Inversion.
Identifiers: ClinVar variation 694460 (VCV000694460.3).